The following is an entry in ClinVar:

ClinVar aggregate classification (germline): Likely benign. Review status: criteria provided, multiple submitters, no conflicts (2 of 4 stars). 3 submissions from 3 submitters: Likely benign (2). 1 of the submissions does not count toward it. Last evaluated 2016-05-12.

Conditions:
NLGN4X-related disorder. Also called: NLGN4X-related condition.

Allele frequency attached by ClinVar (database versions not stated): gnomAD 0.00008 and 0.00009; ESP Exome Variant Server 0.00019; ExAC 0.00011; TOPMed 0.00008.
gnomAD v4.1: 423 of 1,209,119 alleles (0.035%); highest among the groups gnomAD compares: Non-Finnish European, 0.047%; no homozygotes.

Submissions (3):

Eurofins Ntd Llc (ga)
Classification: Likely benign. Last evaluated: 2016-05-12. Review status: criteria provided, single submitter. Criteria: EGL Classification Definitions 2015. Collection method: clinical testing. Allele origin: germline. Observed: 1 variant allele, 1 heterozygote.

Breakthrough Genomics
Classification: Likely benign. Review status: criteria provided, single submitter. Criteria: ACMG Guidelines, 2015. Collection method: not provided. Allele origin: germline. Inheritance: X-linked inheritance. Affected: yes.

PreventionGenetics, part of Exact Sciences
Classification: Likely benign for NLGN4X-related condition. Last evaluated: 2019-08-02. Review status: no assertion criteria provided. Collection method: clinical testing. Allele origin: germline. Not counted in ClinVar's aggregate classification.
Comment: This variant is classified as likely benign based on ACMG/AMP sequence variant interpretation guidelines (Richards et al. 2015 PMID: 25741868, with internal and published modifications).

NM_181332.3(NLGN4X):c.2226G>A (p.Glu742=)

Gene: NLGN4X (neuroligin 4 X-linked; minus strand). Cytogenetic location: Xp22.32.
Variant type: single nucleotide variant.
Coding change: c.2226G>A on transcript NM_181332.3 (MANE Select); coding-DNA position 2226, G replaced by A.
Protein change: p.Glu742=; no amino-acid change (glutamic acid 742 retained).
Molecular consequence: synonymous variant.
Genome position (GRCh38, 1-based): chrX:5,893,042, C>T on the plus strand (G>A on the coding strand, the complement: NLGN4X is on the minus strand). VCF-style: chrX-5893042-C-T. GRCh37 (hg19) VCF-style: chrX-5811083-C-T.
Other names: c.2226G>A, p.Glu742= (NM_001282145.2, NM_001282146.2, NM_020742.4); c.2226G>A (NM_020742.3).
Identifiers: ClinVar variation 288068 (VCV000288068.8), dbSNP rs141662515, ClinGen allele CA10340913.